The following is an entry in ClinVar:

ClinVar aggregate classification (germline): Uncertain significance (1 of 4 stars; one submission).

Conditions:
Growth delay due to insulin-like growth factor I resistance. Also called: Somatomedin end-organ insensitivity to; Somatomedin-c resistance to; IGF-1 resistance; IGF-I RESISTANCE; Insulin-Like Growth Factor I Resistance. Identifiers: Orphanet 73273, MedGen C1849157, MONDO:0010038, OMIM 270450.

Submission:

Juno Genomics, Hangzhou Juno Genomics, Inc
Classification: Uncertain significance for Growth delay due to insulin-like growth factor I resistance. Review status: criteria provided, single submitter. Criteria: ACMG Guidelines, 2015. Collection method: clinical testing. Allele origin: germline.
Comment: Absent from controls (or at extremely low frequency if recessive) in Genome Aggregation Database.;Missense variant in a gene that has a low rate of benign missense variation.;Multiple lines of computational evidence support a deleterious effect on the gene or gene product.

NM_000875.5(IGF1R):c.1259T>C (p.Phe420Ser)

Gene: IGF1R (insulin like growth factor 1 receptor; plus strand). Cytogenetic location: 15q26.3.
Variant type: single nucleotide variant.
Coding change: c.1259T>C on transcript NM_000875.5 (MANE Select); coding-DNA position 1259, T replaced by C.
Protein change: p.Phe420Ser; replaces phenylalanine 420 with serine.
Molecular consequence: missense variant.
Genome position (GRCh38, 1-based): chr15:98,908,696, T>C. VCF-style: chr15-98908696-T-C. GRCh37 (hg19) VCF-style: chr15-99451925-T-C.
Other names: c.1259T>C, p.Phe420Ser (NM_001291858.2); short protein forms F420S.
Identifiers: ClinVar variation 5005497 (VCV005005497.2).